The following is an entry in ClinVar:

NM_007194.4(CHEK2):c.1543-3C>G

Gene: CHEK2 (checkpoint kinase 2; minus strand). Cytogenetic location: 22q12.1.
Variant type: single nucleotide variant.
Coding change: c.1543-3C>G on transcript NM_007194.4 (MANE Select); 3 bases into the intron before coding-DNA position 1543, C replaced by G.
Molecular consequence: intron variant.
Genome position (GRCh38, 1-based): chr22:28,687,989, G>C on the plus strand (C>G on the coding strand, the complement: CHEK2 is on the minus strand). VCF-style: chr22-28687989-G-C. GRCh37 (hg19) VCF-style: chr22-29083977-G-C.
Other names: c.880-3C>G (NM_001437942.1, NM_001257387.3); c.1342-3C>G (NM_001349956.3); c.1456-3C>G (NM_145862.3); c.1549-3C>G (NM_001438295.1); c.1636-3C>G (NM_001438293.1); c.1585-3C>G (NM_001438294.1); c.1672-3C>G (NM_001005735.3).
Identifiers: ClinVar variation 582412 (VCV000582412.9), dbSNP rs759366945, ClinGen allele CA891844284.

ClinVar aggregate classification (germline): Uncertain significance (1 of 4 stars; one submission).

Conditions:
Familial cancer of breast. Also called: Hereditary breast cancer; hereditary breast carcinoma; BREAST CANCER, FAMILIAL. Identifiers: Orphanet 227535, MedGen C0346153, MONDO:0016419, OMIM 114480. Disease mechanism: loss of function.

Submission:

Labcorp Genetics (formerly Invitae), Labcorp
Classification: Uncertain significance for Familial cancer of breast. Last evaluated: 2018-06-19. Review status: criteria provided, single submitter. Criteria: Invitae Variant Classification Sherloc (09022015). Collection method: clinical testing. Allele origin: germline.
Comment: This variant is not present in population databases (ExAC no frequency). This variant has not been reported in the literature in individuals with CHEK2-related disease. This sequence change falls in intron 14 of the CHEK2 gene. It does not directly change the encoded amino acid sequence of the CHEK2 protein, but it affects a nucleotide within the consensus splice site of the intron. Nucleotide substitutions within the consensus splice site are a relatively common cause of aberrant splicing (PMID: 17576681, 9536098). Algorithms developed to predict the effect of sequence changes on RNA splicing suggest that this variant may disrupt the consensus splice site, but this prediction has not been confirmed by published transcriptional studies. In summary, the available evidence is currently insufficient to determine the role of this variant in disease. Therefore, it has been classified as a Variant of Uncertain Significance.

Literature cited by the submitters: PubMed 17576681; PubMed 9536098.